The following is an entry in ClinVar:

NM_002473.6(MYH9):c.4653C>T (p.Thr1551=)

Gene: MYH9 (myosin heavy chain 9; minus strand). Cytogenetic location: 22q12.3.
Variant type: single nucleotide variant.
Coding change: c.4653C>T on transcript NM_002473.6 (MANE Select); coding-DNA position 4653, C replaced by T.
Protein change: p.Thr1551=; no amino-acid change (threonine 1551 retained).
Molecular consequence: synonymous variant.
Genome position (GRCh38, 1-based): chr22:36,288,844, G>A on the plus strand (C>T on the coding strand, the complement: MYH9 is on the minus strand). VCF-style: chr22-36288844-G-A. GRCh37 (hg19) VCF-style: chr22-36684890-G-A.
Other names: c.4653C>T (NM_002473.5).
Identifiers: ClinVar variation 227613 (VCV000227613.13), dbSNP rs375806364, ClinGen allele CA10209319.

ClinVar aggregate classification (germline): Likely benign. Review status: criteria provided, multiple submitters, no conflicts (2 of 4 stars). 5 submissions from 5 submitters: Likely benign (4). 1 of the submissions does not count toward it. Last evaluated 2026-01-14.

Conditions:
MYH9-related disorder. Identifiers: MedGen C1854520.

Allele frequency attached by ClinVar (database versions not stated): ExAC 0.00002; gnomAD exomes 0.00002 and 0.00003; TOPMed 0.00004; gnomAD 0.00006; ESP Exome Variant Server 0.00008.

Submissions (5):

Labcorp Genetics (formerly Invitae), Labcorp
Classification: Likely benign. Last evaluated: 2026-01-14. Review status: criteria provided, single submitter. Criteria: Invitae Variant Classification Sherloc (09022015). Collection method: clinical testing. Allele origin: germline.

Blueprint Genetics
Classification: Likely benign. Last evaluated: 2024-06-06. Review status: criteria provided, single submitter. Criteria: ACMG Guidelines, 2015. Collection method: clinical testing. Allele origin: germline.

GeneDx
Classification: Likely benign. Last evaluated: 2021-03-16. Review status: criteria provided, single submitter. Criteria: GeneDx Variant Classification Process June 2021. Collection method: clinical testing. Allele origin: germline. Affected: yes.

Laboratory for Molecular Medicine, Mass General Brigham Personalized Medicine
Classification: Likely benign. Last evaluated: 2015-11-09. Review status: criteria provided, single submitter. Criteria: LMM Criteria. Collection method: clinical testing. Allele origin: germline. Observed: 1 variant allele.
Comment: p.Thr1551Thr in exon 33 of MYH9: This variant is not expected to have clinical s ignificance because it does not alter an amino acid residue, is not located with in the splice consensus sequence, and has been identified in 3/66722 European ch romosomes by the Exome Aggregation Consortium (ExAC. org; dbSNP rs375806364)

PreventionGenetics, part of Exact Sciences
Classification: Likely benign for MYH9-related condition. Last evaluated: 2019-05-17. Review status: no assertion criteria provided. Collection method: clinical testing. Allele origin: germline. Not counted in ClinVar's aggregate classification.
Comment: This variant is classified as likely benign based on ACMG/AMP sequence variant interpretation guidelines (Richards et al. 2015 PMID: 25741868, with internal and published modifications).